The following is an entry in ClinVar:

ClinVar aggregate classification (germline): Pathogenic/Likely pathogenic. Review status: criteria provided, multiple submitters, no conflicts (2 of 4 stars). 9 submissions from 9 submitters: Pathogenic (5); Likely pathogenic (4). Last evaluated 2025-07-01.

Conditions:
Cardiovascular phenotype. Identifiers: MedGen CN230736.
Hereditary hemorrhagic telangiectasia (HHT). Also called: ORW DISEASE; Osler Weber Rendu syndrome; OSLER-RENDU-WEBER DISEASE; Osler hemorrhagic telangiectasia syndrome. Identifiers: Orphanet 774, MedGen C0039445, MONDO:0019180. Disease mechanism: loss of function.
ENG-related disorder. Also called: ENG-related condition; ENG-related disorders.
Telangiectasia, hereditary hemorrhagic, type 1 (HHT1). Also called: Osler Weber Rendu syndrome type 1; ENG-Related Hereditary Hemorrhagic Telangiectasia. Identifiers: Orphanet 774, MedGen C4551861, MONDO:0008535, OMIM 187300. Disease mechanism: loss of function.

Allele frequency attached by ClinVar (database versions not stated): gnomAD 0.00003.
gnomAD v4.1: 1 of 1,613,996 alleles (0.000062%); no homozygotes.

Submissions (9):

Mayo Clinic Laboratories, Mayo Clinic
Classification: Pathogenic. Last evaluated: 2025-07-01. Review status: criteria provided, single submitter. Criteria: ACMG Guidelines, 2015. Collection method: clinical testing. Allele origin: germline. Observed: 6 variant alleles.
Comment: PP1_moderate, PP3, PP4, PM2_supporting, PS4

GeneDx
Classification: Likely pathogenic. Last evaluated: 2025-04-24. Review status: criteria provided, single submitter. Criteria: GeneDx Variant Classification Process June 2021. Collection method: clinical testing. Allele origin: germline. Affected: yes.
Comment: Not observed at significant frequency in large population cohorts (gnomAD); Alters the last nucleotide of the exon and is predicted to destroy the splice donor site and result in aberrant splicing, although in the absence of functional evidence the actual effect of this sequence change is unknown; This variant is associated with the following publications: (PMID: 24196379, 17786384, 20414677, 32303606, 16752392, 32503579, 32300199, 32573726, 15517393, 34872578)

Labcorp Genetics (formerly Invitae), Labcorp
Classification: Pathogenic for Hereditary hemorrhagic telangiectasia. Last evaluated: 2025-02-26. Review status: criteria provided, single submitter. Criteria: Invitae Variant Classification Sherloc (09022015). Collection method: clinical testing. Allele origin: germline.
Comment: This sequence change affects codon 378 of the ENG mRNA. It is a 'silent' change, meaning that it does not change the encoded amino acid sequence of the ENG protein. This variant also falls at the last nucleotide of exon 8, which is part of the consensus splice site for this exon. This variant is present in population databases (no rsID available, gnomAD 0.007%). This variant has been observed in individuals with hereditary hemorrhagic telangiectasia (HHT) (PMID: 15517393, 17786384, 20414677, 24196379). This variant is also known as IVS8 ds G-A -1 and as A374A. ClinVar contains an entry for this variant (Variation ID: 458328). Variants that disrupt the consensus splice site are a relatively common cause of aberrant splicing (PMID: 17576681, 9536098). Algorithms developed to predict the effect of sequence changes on RNA splicing suggest that this variant may disrupt the consensus splice site. For these reasons, this variant has been classified as Pathogenic.

ARUP Laboratories, Molecular Genetics and Genomics, ARUP Laboratories
Classification: Pathogenic for Telangiectasia, hereditary hemorrhagic, type 1. Last evaluated: 2024-03-14. Review status: criteria provided, single submitter. Criteria: ARUP Molecular Germline Variant Investigation Process 2024. Collection method: clinical testing. Allele origin: germline.
Comment: The ENG c.1134G>A; p.Ala378= variant (rs1329127701) is reported in the literature in multiple individuals affected with HHT (Bossler 2006, Komiyama 2014, Letteboer 2005, Olivieri 2007, Richards-Yutz 2010). In addition, this variant has been identified in numerous affected individuals by testing performed at ARUP Laboratories. This variant is present on a single chromosomes (1/31364 alleles) in the Genome Aggregation Database (v2.1.1), indicating it is not a common polymorphism. This is a synonymous variant in a moderately conserved nucleotide which is the last nucleotide in ENG exon 8, and computational analyses (Alamut v.2.11) predict that this variant impacts splicing by weakening the nearby canonical donor splice site. Based on available information, this variant is considered to be pathogenic. References: Bossler AD et al. Novel mutations in ENG and ACVRL1 identified in a series of 200 individuals undergoing clinical genetic testing for hereditary hemorrhagic telangiectasia (HHT): correlation of genotype with phenotype. Hum Mutat. 2006 Jul;27(7):667-75. Komiyama M et al. Hereditary hemorrhagic telangiectasia in Japanese patients. J Hum Genet. 2014 Jan;59(1):37-41. Letteboer TG et al. Hereditary hemorrhagic telangiectasia: ENG and ALK-1 mutations in Dutch patients. Hum Genet. 2005 Jan;116(1-2):8-16. Olivieri C et al. Analysis of ENG and ACVRL1 genes in 137 HHT Italian families identifies 76 different mutations (24 novel). Comparison with other European studies. J Hum Genet. 2007;52(10):820-9. Richards-Yutz J et al. Update on molecular diagnosis of hereditary hemorrhagic telangiectasia. Hum Genet. 2010 Jul;128(1):61-77.

Ambry Genetics
Classification: Pathogenic for Cardiovascular phenotype. Last evaluated: 2024-01-05. Review status: criteria provided, single submitter. Criteria: Ambry Variant Classification Scheme 2023. Collection method: clinical testing. Allele origin: germline.
Comment: The c.1134G>A variant (also known as p.A378A) is located in coding exon 8 of the ENG gene. This variant results from a G to A substitution at nucleotide position 1134. This nucleotide substitution does not change the alanine at codon 378. However, this change occurs in the last base pair of coding exon 8, which makes it likely to have some effect on normal mRNA splicing. This variant has been detected in multiple individuals with clinical diagnoses of hereditary hemorrhagic telangiectasia, including at least one demonstrating low level mosaicism (Letteboer TG et al. Hum. Genet., 2005 Jan;116:8-16; Olivieri C et al. J. Hum. Genet., 2007 Sep;52:820-9; Richards-Yutz J et al. Hum. Genet., 2010 Jul;128:61-77; Clarke JM et al. J. Med. Genet., 2020;57(12):859-862). This nucleotide position is highly conserved in available vertebrate species. In silico splice site analysis predicts that this alteration will weaken the native splice donor site and may result in the creation or strengthening of a novel splice donor site. Based on the supporting evidence, this alteration is interpreted as a disease-causing mutation.

Blueprint Genetics
Classification: Likely pathogenic for ENG-related disorders. Last evaluated: 2023-11-20. Review status: criteria provided, single submitter. Criteria: ACMG Guidelines, 2015. Collection method: clinical testing. Allele origin: germline. Affected: yes. Observed: 1 variant allele.

PreventionGenetics, part of Exact Sciences
Classification: Pathogenic for ENG-related condition. Last evaluated: 2023-07-31. Review status: criteria provided, single submitter. Criteria: ACMG Guidelines, 2015. Collection method: clinical testing. Allele origin: germline.
Comment: The ENG c.1134G>A variant is not predicted to result in an amino acid change (p.=). This variant is located at the last nucleotide position of exon 8 and is predicted to interfere with splicing at the consensus site based on splicing prediction programs. This variant has also been reported in several patients affected with hereditary hemorrhagic telangiectasia (HHT) (Letteboer et al. 2005. PubMed ID: 15517393, Bossler et al. 2006. PubMed ID: 16752392; Olivieri et al. 2007. PubMed ID: 17786384, Komiyama et al. 2014. PubMed ID: 24196379). This variant is reported in 0.0065% of alleles in individuals of European (Non-Finnish) descent in gnomAD. Based on this evidence, we interpret this variant as pathogenic.

AiLife Diagnostics
Classification: Likely pathogenic. Last evaluated: 2020-06-04. Review status: criteria provided, single submitter. Criteria: ACMG Guidelines, 2015. Collection method: clinical testing. Allele origin: de novo. Affected: yes. Observed: 1 variant allele.

NIHR Bioresource Rare Diseases, University of Cambridge
Classification: Likely pathogenic for Telangiectasia, hereditary hemorrhagic, type 1. Last evaluated: 2018-01-01. Review status: criteria provided, single submitter. Criteria: ACMG Guidelines, 2015. Collection method: research. Allele origin: unknown. Affected: yes. Observed: 1 variant allele.
Comment: PM2++PP3+ PP4+PP5

Literature cited by the submitters: PubMed 15517393 (cited by 4 submitters); PubMed 17786384 (cited by 3 submitters); PubMed 20414677 (cited by 3 submitters); PubMed 24196379 (cited by Mayo Clinic Laboratories, Mayo Clinic and Labcorp Genetics (formerly Invitae), Labcorp); PubMed 32300199 (cited by Mayo Clinic Laboratories, Mayo Clinic); PubMed 32303606 (cited by Mayo Clinic Laboratories, Mayo Clinic and Ambry Genetics); PubMed 32503579 (cited by Mayo Clinic Laboratories, Mayo Clinic); PubMed 34501220 (cited by Mayo Clinic Laboratories, Mayo Clinic); PubMed 34872578 (cited by Mayo Clinic Laboratories, Mayo Clinic); PubMed 17576681 (cited by Labcorp Genetics (formerly Invitae), Labcorp); PubMed 9536098 (cited by Labcorp Genetics (formerly Invitae), Labcorp); PubMed 15879500 (cited by Ambry Genetics); PubMed 21158752 (cited by Ambry Genetics); PubMed 32573726 (cited by NIHR Bioresource Rare Diseases, University of Cambridge).

NM_001114753.3(ENG):c.1134G>A (p.Ala378=)

Gene: ENG (endoglin; minus strand). Cytogenetic location: 9q34.11.
Variant type: single nucleotide variant.
Coding change: c.1134G>A on transcript NM_001114753.3 (MANE Select); coding-DNA position 1134, G replaced by A.
Protein change: p.Ala378=; no amino-acid change (alanine 378 retained).
Molecular consequence: synonymous variant.
Genome position (GRCh38, 1-based): chr9:127,824,304, C>T on the plus strand (G>A on the coding strand, the complement: ENG is on the minus strand). VCF-style: chr9-127824304-C-T. GRCh37 (hg19) VCF-style: chr9-130586583-C-T.
Other names: p.Ala378=; c.1134G>A, p.Ala378= (NM_000118.4, NM_001406715.1); c.588G>A, p.Ala196= (NM_001278138.2).
Identifiers: ClinVar variation 458328 (VCV000458328.34), dbSNP rs1329127701, ClinGen allele CA467230561.